The following is an entry in ClinVar:

NM_001278689.2(EOGT):c.305T>A (p.Met102Lys)

Gene: EOGT (EGF domain specific O-linked N-acetylglucosamine transferase; minus strand). Cytogenetic location: 3p14.1.
Variant type: single nucleotide variant.
Coding change: c.305T>A on transcript NM_001278689.2 (MANE Select); coding-DNA position 305, T replaced by A.
Protein change: p.Met102Lys; replaces methionine 102 with lysine.
Molecular consequence: missense variant. On other transcripts: non-coding transcript variant (1).
Genome position (GRCh38, 1-based): chr3:69,008,434, A>T on the plus strand (T>A on the coding strand, the complement: EOGT is on the minus strand). VCF-style: chr3-69008434-A-T. GRCh37 (hg19) VCF-style: chr3-69057585-A-T.
Other names: c.305T>A, p.Met102Lys (NM_173654.3); short protein forms M102K.
Identifiers: ClinVar variation 1716138 (VCV001716138.5), dbSNP rs201325214, ClinGen allele CA353469181.

ClinVar aggregate classification (germline): Uncertain significance (1 of 4 stars; one submission).

Conditions:
Adams-Oliver syndrome 4 (AOS4). Identifiers: Orphanet 974, MedGen C3809092, MONDO:0014124, OMIM 615297.

Submission:

Labcorp Genetics (formerly Invitae), Labcorp
Classification: Uncertain significance for Adams-Oliver syndrome 4. Last evaluated: 2024-01-29. Review status: criteria provided, single submitter. Criteria: Invitae Variant Classification Sherloc (09022015). Collection method: clinical testing. Allele origin: germline.
Comment: This sequence change replaces methionine, which is neutral and non-polar, with lysine, which is basic and polar, at codon 102 of the EOGT protein (p.Met102Lys). This variant is not present in population databases (gnomAD no frequency). This variant has not been reported in the literature in individuals affected with EOGT-related conditions. ClinVar contains an entry for this variant (Variation ID: 1716138). Advanced modeling of protein sequence and biophysical properties (such as structural, functional, and spatial information, amino acid conservation, physicochemical variation, residue mobility, and thermodynamic stability) performed at Invitae indicates that this missense variant is not expected to disrupt EOGT protein function with a negative predictive value of 80%. In summary, the available evidence is currently insufficient to determine the role of this variant in disease. Therefore, it has been classified as a Variant of Uncertain Significance.